The following is an entry in ClinVar:

NM_015047.3(EMC1):c.1120A>G (p.Thr374Ala)

Genes: EMC1 (ER membrane protein complex subunit 1; minus strand), EMC1-AS1 (EMC1 antisense RNA 1; plus strand). Cytogenetic location: 1p36.13.
Variant type: single nucleotide variant.
Coding change: c.1120A>G on transcript NM_015047.3 (MANE Select); coding-DNA position 1120, A replaced by G.
Protein change: p.Thr374Ala; replaces threonine 374 with alanine.
Molecular consequence: missense variant.
Genome position (GRCh38, 1-based): chr1:19,238,109, T>C on the plus strand (A>G on the coding strand, the complement: EMC1 is on the minus strand). VCF-style: chr1-19238109-T-C. GRCh37 (hg19) VCF-style: chr1-19564603-T-C.
Other names: c.1117A>G, p.Thr373Ala (NM_001271427.2, NM_001375821.1); c.1120A>G, p.Thr374Ala (NM_001271428.2, NM_001375820.1); c.1054A>G, p.Thr352Ala (NM_001271429.2); c.1120A>G (NM_015047.1); short protein forms T352A, T373A, T374A.
Identifiers: ClinVar variation 2638430 (VCV002638430.27), dbSNP rs1558106718, ClinGen allele CA338766638.

ClinVar aggregate classification (germline): Uncertain significance. Review status: criteria provided, multiple submitters, no conflicts (2 of 4 stars). 3 submissions from 3 submitters: Uncertain significance (3). Last evaluated 2025-08-18.

Conditions:
Inborn genetic diseases. Identifiers: MedGen C0950123, MeSH D030342.

Allele frequency attached by ClinVar (database versions not stated): gnomAD exomes 0.00001.
gnomAD v4.1: 15 of 1,614,080 alleles (0.00093%); highest among the groups gnomAD compares: Non-Finnish European, 0.00093%; no homozygotes.

Submissions (3):

Labcorp Genetics (formerly Invitae), Labcorp
Classification: Uncertain significance. Last evaluated: 2025-08-18. Review status: criteria provided, single submitter. Criteria: Invitae Variant Classification Sherloc (09022015). Collection method: clinical testing. Allele origin: germline.
Comment: This sequence change replaces threonine, which is neutral and polar, with alanine, which is neutral and non-polar, at codon 374 of the EMC1 protein (p.Thr374Ala). This variant is not present in population databases (gnomAD no frequency). This variant has not been reported in the literature in individuals affected with EMC1-related conditions. ClinVar contains an entry for this variant (Variation ID: 2638430). Invitae Evidence Modeling of protein sequence and biophysical properties (such as structural, functional, and spatial information, amino acid conservation, physicochemical variation, residue mobility, and thermodynamic stability) indicates that this missense variant is not expected to disrupt EMC1 protein function with a negative predictive value of 80%. In summary, the available evidence is currently insufficient to determine the role of this variant in disease. Therefore, it has been classified as a Variant of Uncertain Significance.

Ambry Genetics
Classification: Uncertain significance for Inborn genetic diseases. Last evaluated: 2024-06-05. Review status: criteria provided, single submitter. Criteria: Ambry Variant Classification Scheme 2023. Collection method: clinical testing. Allele origin: germline.

CeGaT Center for Human Genetics Tuebingen
Classification: Uncertain significance. Last evaluated: 2022-12-01. Review status: criteria provided, single submitter. Criteria: CeGaT Center For Human Genetics Tuebingen Variant Classification Criteria Version 2. Collection method: clinical testing. Allele origin: germline. Affected: yes. Observed: 1 variant allele.
Comment: EMC1: PM2, BP4